The following is an entry in ClinVar:

NM_182919.4(TICAM1):c.1803G>A (p.Ala601=)

Gene: TICAM1 (TIR domain containing adaptor molecule 1; minus strand). Cytogenetic location: 19p13.3.
Variant type: single nucleotide variant.
Coding change: c.1803G>A on transcript NM_182919.4 (MANE Select); coding-DNA position 1803, G replaced by A.
Protein change: p.Ala601=; no amino-acid change (alanine 601 retained).
Molecular consequence: synonymous variant.
Genome position (GRCh38, 1-based): chr19:4,816,575, C>T on the plus strand (G>A on the coding strand, the complement: TICAM1 is on the minus strand). VCF-style: chr19-4816575-C-T. GRCh37 (hg19) VCF-style: chr19-4816587-C-T.
Other names: c.1761G>A, p.Ala587= (NM_001385678.1); c.1668G>A, p.Ala556= (NM_001385679.1); c.1161G>A, p.Ala387= (NM_001385680.1).
Identifiers: ClinVar variation 540519 (VCV000540519.15), dbSNP rs11466723, ClinGen allele CA9105065.
Genomic context (GRCh38, chr19:4,816,575, plus strand): 5'-AAAGGGTGGCGGGGCTCCCAGGGGCACCTGGCCCCCAAAGGGCATTCGAGCCCCATAGGG[C>T]GCCCCAGTCCCAAATGACATGTGGCTCCCAAAAGCCACCTGGAGCTGCTCCATCTGTGCC-3'
Protein context (NP_891549.1, residues 591-611): FGSHMSFGTG[Ala601=]PYGARMPFGG

ClinVar aggregate classification (germline): Benign/Likely benign. Review status: criteria provided, multiple submitters, no conflicts (2 of 4 stars). 3 submissions from 3 submitters: Benign (1); Likely benign (1). 1 of the submissions does not count toward it. Last evaluated 2026-01-27.

Conditions:
Encephalopathy, acute, infection-induced (herpes-specific), susceptibility to, 6. Also called: Herpes simplex encephalitis, susceptibility to, 4. Identifiers: Orphanet 1930, MedGen C3553869, MONDO:0013921, OMIM 614850.
TICAM1-related disorder. Also called: TICAM1-related condition.

Allele frequency attached by ClinVar (database versions not stated): gnomAD exomes 0.00021 and 0.00062; 1000 Genomes Project 30x 0.00094; gnomAD 0.00148 and 0.00137; TOPMed 0.00155; 1000 Genomes Project 0.00100; ESP Exome Variant Server 0.00192; ExAC 0.00067.
gnomAD v4.1: 517 of 1,613,032 alleles (0.032%); highest among the groups gnomAD compares: African/African-American, 0.38%; 3 homozygotes.

Submissions (3):

Labcorp Genetics (formerly Invitae), Labcorp
Classification: Benign for Encephalopathy, acute, infection-induced (herpes-specific), susceptibility to, 6. Last evaluated: 2026-01-27. Review status: criteria provided, single submitter. Criteria: Invitae Variant Classification Sherloc (09022015). Collection method: clinical testing. Allele origin: germline.

Blueprint Genetics
Classification: Likely benign. Last evaluated: 2021-12-17. Review status: criteria provided, single submitter. Criteria: ACMG Guidelines, 2015. Collection method: clinical testing. Allele origin: germline.

PreventionGenetics, part of Exact Sciences
Classification: Likely benign for TICAM1-related condition. Last evaluated: 2023-12-11. Review status: no assertion criteria provided. Collection method: clinical testing. Allele origin: germline. Not counted in ClinVar's aggregate classification.
Comment: This variant is classified as likely benign based on ACMG/AMP sequence variant interpretation guidelines (Richards et al. 2015 PMID: 25741868, with internal and published modifications).